The following is an entry in ClinVar:

ClinVar aggregate classification (germline): Uncertain significance. Review status: criteria provided, multiple submitters, no conflicts (2 of 4 stars). 5 submissions from 5 submitters: Uncertain significance (5). Last evaluated 2026-02-02.

Conditions:
Cardiomyopathy (CMYO). Also called: Cardiomyopathies. Identifiers: Orphanet 167848, MedGen C0878544, MONDO:0004994, HP:0001638. Inheritance: Various modes of inheritance.
Cardiovascular phenotype. Identifiers: MedGen CN230736.
Catecholaminergic polymorphic ventricular tachycardia (CVPT). Also called: Catecholamine-induced polymorphic ventricular tachycardia. Identifiers: Orphanet 3286, MedGen C5574922, MONDO:0017990.
Catecholaminergic polymorphic ventricular tachycardia 1. Also called: RYR2-Related Catecholaminergic Polymorphic Ventricular Tachycardia; VENTRICULAR TACHYCARDIA, STRESS-INDUCED POLYMORPHIC 1; VENTRICULAR TACHYCARDIA, CATECHOLAMINERGIC POLYMORPHIC, 1, WITH OR WITHOUT ATRIAL DYSFUNCTION AND/OR DILATED CARDIOMYOPATHY. Identifiers: Orphanet 3286, MedGen C1631597, MONDO:0011484, OMIM 604772.

Allele frequency attached by ClinVar (database versions not stated): TOPMed below 0.00001.

Submissions (5):

GeneDx
Classification: Uncertain significance. Last evaluated: 2026-02-02. Review status: criteria provided, single submitter. Criteria: GeneDx Variant Classification Process June 2021. Collection method: clinical testing. Allele origin: germline.
Comment: Not observed at significant frequency in large population cohorts (gnomAD); In silico analysis suggests that this missense variant does not alter protein structure/function; Located in one of the three hot-spot regions of the RYR2 gene, where the majority of pathogenic missense variants occur (PMID: 19926015); Identified in a patient with sudden cardiac arrest (SCA) in published literature (PMID: 34389451); This variant is associated with the following publications: (PMID: 19926015, 34389451)

Labcorp Genetics (formerly Invitae), Labcorp
Classification: Uncertain significance for Catecholaminergic polymorphic ventricular tachycardia 1. Last evaluated: 2025-10-07. Review status: criteria provided, single submitter. Criteria: Invitae Variant Classification Sherloc (09022015). Collection method: clinical testing. Allele origin: germline.
Comment: This sequence change replaces serine, which is neutral and polar, with proline, which is neutral and non-polar, at codon 4360 of the RYR2 protein (p.Ser4360Pro). This variant is present in population databases (no rsID available, gnomAD 0.007%). This variant has not been reported in the literature in individuals affected with RYR2-related conditions. ClinVar contains an entry for this variant (Variation ID: 922733). Invitae Evidence Modeling of protein sequence and biophysical properties (such as structural, functional, and spatial information, amino acid conservation, physicochemical variation, residue mobility, and thermodynamic stability) indicates that this missense variant is not expected to disrupt RYR2 protein function with a negative predictive value of 95%. In summary, the available evidence is currently insufficient to determine the role of this variant in disease. Therefore, it has been classified as a Variant of Uncertain Significance.

Ambry Genetics
Classification: Uncertain significance for Cardiovascular phenotype. Last evaluated: 2025-08-20. Review status: criteria provided, single submitter. Criteria: Ambry Variant Classification Scheme 2023. Collection method: clinical testing. Allele origin: germline.
Comment: The p.S4360P variant (also known as c.13078T>C), located in coding exon 90 of the RYR2 gene, results from a T to C substitution at nucleotide position 13078. The serine at codon 4360 is replaced by proline, an amino acid with similar properties. This amino acid position is not well conserved in available vertebrate species. In addition, the in silico prediction for this alteration is inconclusive. Based on the available evidence, the clinical significance of this variant remains unclear.

Color Diagnostics, LLC DBA Color Health
Classification: Uncertain significance for Cardiomyopathy. Last evaluated: 2024-03-07. Review status: criteria provided, single submitter. Criteria: ACMG Guidelines, 2015. Collection method: clinical testing. Allele origin: germline.
Comment: This missense variant replaces serine with proline at codon 4360 of the RYR2 protein. Computational prediction suggests that this variant may not impact protein structure and function (internally defined REVEL score threshold <= 0.5, PMID: 27666373). Splice site prediction tools suggest that this variant may not impact RNA splicing. To our knowledge, functional studies have not been performed for this variant. This variant has not been reported in individuals affected with cardiovascular disorders in the literature. This variant has been identified in 1/31388 chromosomes in the general population by the Genome Aggregation Database (gnomAD). The available evidence is insufficient to determine the role of this variant in disease conclusively. Therefore, this variant is classified as a Variant of Uncertain Significance.

All of Us Research Program, National Institutes of Health
Classification: Uncertain significance for Catecholaminergic polymorphic ventricular tachycardia. Last evaluated: 2023-11-30. Review status: criteria provided, single submitter. Criteria: ACMG Guidelines, 2015. Collection method: clinical testing. Allele origin: germline. Inheritance: Autosomal dominant inheritance. Observed: 1 variant allele, 1 heterozygote.
Comment: This missense variant replaces serine with proline at codon 4360 of the RYR2 protein. Computational prediction suggests that this variant may not impact protein structure and function (internally defined REVEL score threshold <= 0.5, PMID: 27666373). Splice site prediction tools suggest that this variant may not impact RNA splicing. To our knowledge, functional studies have not been performed for this variant. This variant has not been reported in individuals affected with cardiovascular disorders in the literature. This variant has been identified in 1/31388 chromosomes in the general population by the Genome Aggregation Database (gnomAD). The available evidence is insufficient to determine the role of this variant in disease conclusively. Therefore, this variant is classified as a Variant of Uncertain Significance.

This study involves interpretation of variants in research participants for the purpose of population health screening. Participant phenotype was not available at the time of variant classification. Additional details can be found in publication PMID: 35346344, PMCID: PMC8962531

NM_001035.3(RYR2):c.13078T>C (p.Ser4360Pro)

Genes: RYR2 (ryanodine receptor 2; plus strand), LOC126806068 (BRD4-independent group 4 enhancer GRCh37_chr1:237947411-237948610; plus strand). Cytogenetic location: 1q43.
Variant type: single nucleotide variant.
Coding change: c.13078T>C on transcript NM_001035.3 (MANE Select); coding-DNA position 13078, T replaced by C.
Protein change: p.Ser4360Pro; replaces serine 4360 with proline.
Molecular consequence: missense variant.
Genome position (GRCh38, 1-based): chr1:237,784,790, T>C. VCF-style: chr1-237784790-T-C. GRCh37 (hg19) VCF-style: chr1-237948090-T-C.
Other names: c.13078T>C (NM_001035.2); short protein forms S4360P.
Identifiers: ClinVar variation 922733 (VCV000922733.8), dbSNP rs1420181587, ClinGen allele CA345415210.
Genomic context (GRCh38, chr1:237,784,790, plus strand): 5'-GATGAGGTTAGAGGAGATGGGGAGGAGGGAGAGAGGAAACCCCTGGAAGCCGCCCTGCCC[T>C]CCGAGGATCTGACCGACTTAAAGGAGCTGACAGAGGAAAGTGACCTTCTTTCGGACATCT-3'
Protein context (NP_001026.2, residues 4350-4370): ERKPLEAALP[Ser4360Pro]EDLTDLKELT